The following is an entry in ClinVar:

NM_024494.3(WNT2B):c.692G>A (p.Arg231Gln)

Gene: WNT2B (Wnt family member 2B; plus strand). Cytogenetic location: 1p13.2.
Variant type: single nucleotide variant.
Coding change: c.692G>A on transcript NM_024494.3 (MANE Select); coding-DNA position 692, G replaced by A.
Protein change: p.Arg231Gln; replaces arginine 231 with glutamine.
Molecular consequence: missense variant.
Genome position (GRCh38, 1-based): chr1:112,517,131, G>A. VCF-style: chr1-112517131-G-A. GRCh37 (hg19) VCF-style: chr1-113059753-G-A.
Other names: c.416G>A, p.Arg139Gln (NM_001291880.1); c.635G>A, p.Arg212Gln (NM_004185.4); short protein forms R139Q, R212Q, R231Q.
Identifiers: ClinVar variation 1976111 (VCV001976111.3), dbSNP rs755695778, ClinGen allele CA1008341.

ClinVar aggregate classification (germline): Uncertain significance (1 of 4 stars; one submission).

Allele frequency attached by ClinVar (database versions not stated): ExAC 0.00003.
gnomAD v4.1: 54 of 1,610,944 alleles (0.0034%); highest among the groups gnomAD compares: East Asian, 0.0067%; no homozygotes.

Submission:

Labcorp Genetics (formerly Invitae), Labcorp
Classification: Uncertain significance. Last evaluated: 2022-08-12. Review status: criteria provided, single submitter. Criteria: Invitae Variant Classification Sherloc (09022015). Collection method: clinical testing. Allele origin: germline.
Comment: In summary, the available evidence is currently insufficient to determine the role of this variant in disease. Therefore, it has been classified as a Variant of Uncertain Significance. Algorithms developed to predict the effect of missense changes on protein structure and function (SIFT, PolyPhen-2, Align-GVGD) all suggest that this variant is likely to be disruptive. This variant has not been reported in the literature in individuals affected with WNT2B-related conditions. This variant is present in population databases (rs755695778, gnomAD 0.02%). This sequence change replaces arginine, which is basic and polar, with glutamine, which is neutral and polar, at codon 231 of the WNT2B protein (p.Arg231Gln).